The following is an entry in ClinVar:

ClinVar aggregate classification (germline): Uncertain significance (1 of 4 stars; one submission).

Submission:

Labcorp Genetics (formerly Invitae), Labcorp
Classification: Uncertain significance. Last evaluated: 2024-05-14. Review status: criteria provided, single submitter. Criteria: Invitae Variant Classification Sherloc (09022015). Collection method: clinical testing. Allele origin: germline.
Comment: This sequence change creates a premature translational stop signal (p.Gln1006*) in the ALPK1 gene. It is expected to result in an absent or disrupted protein product. However, the current clinical and genetic evidence is not sufficient to establish whether loss-of-function variants in ALPK1 cause disease. This variant is not present in population databases (gnomAD no frequency). This variant has not been reported in the literature in individuals affected with ALPK1-related conditions. Algorithms developed to predict the effect of sequence changes on RNA splicing suggest that this variant may disrupt the consensus splice site. In summary, the available evidence is currently insufficient to determine the role of this variant in disease. Therefore, it has been classified as a Variant of Uncertain Significance.

NM_025144.4(ALPK1):c.3016C>T (p.Gln1006Ter)

Gene: ALPK1 (alpha kinase 1; plus strand). Cytogenetic location: 4q25.
Variant type: single nucleotide variant.
Coding change: c.3016C>T on transcript NM_025144.4 (MANE Select); coding-DNA position 3016, C replaced by T.
Protein change: p.Gln1006Ter; replaces glutamine 1006 with a stop codon.
Molecular consequence: nonsense.
Genome position (GRCh38, 1-based): chr4:112,432,563, C>T. VCF-style: chr4-112432563-C-T. GRCh37 (hg19) VCF-style: chr4-113353719-C-T.
Other names: c.3016C>T, p.Gln1006Ter (NM_001102406.2); c.2782C>T, p.Gln928Ter (NM_001253884.2); short protein forms Q1006*, Q928*.
Identifiers: ClinVar variation 3653412 (VCV003653412.2).